The following is an entry in ClinVar:

NM_001377540.1(SLMAP):c.346+4C>T

Gene: SLMAP (sarcolemma associated protein; plus strand). Cytogenetic location: 3p14.3.
Variant type: single nucleotide variant.
Coding change: c.346+4C>T on transcript NM_001377540.1 (MANE Select); 4 bases into the intron after coding-DNA position 346, C replaced by T.
Molecular consequence: intron variant. On other transcripts: non-coding transcript variant (1).
Genome position (GRCh38, 1-based): chr3:57,831,534, C>T. VCF-style: chr3-57831534-C-T. GRCh37 (hg19) VCF-style: chr3-57817261-C-T.
Other names: c.346+4C>T (NM_001377538.1, NM_001377539.1, NM_001377555.1 and 17 more transcripts).
Identifiers: ClinVar variation 1436920 (VCV001436920.6), dbSNP rs201859602, ClinGen allele CA2466769.

ClinVar aggregate classification (germline): Uncertain significance (1 of 4 stars; one submission).

Conditions:
Brugada syndrome. Also called: Sudden unexpected nocturnal death syndrome; Sudden Unexplained Death Syndrome; Sudden Unexplained Nocturnal Death Syndrome (SUNDS); Sudden unexplained nocturnal death syndrome. Identifiers: Orphanet 130, MedGen C1142166, MONDO:0015263.

Allele frequency attached by ClinVar (database versions not stated): gnomAD 0.00001; ESP Exome Variant Server 0.00008.
gnomAD v4.1: 25 of 1,502,570 alleles (0.0017%); highest among the groups gnomAD compares: Admixed American, 0.0046%; no homozygotes.

Submission:

Labcorp Genetics (formerly Invitae), Labcorp
Classification: Uncertain significance for Brugada syndrome. Last evaluated: 2024-09-27. Review status: criteria provided, single submitter. Criteria: Invitae Variant Classification Sherloc (09022015). Collection method: clinical testing. Allele origin: germline.
Comment: This sequence change falls in intron 2 of the SLMAP gene. It does not directly change the encoded amino acid sequence of the SLMAP protein. It affects a nucleotide within the consensus splice site. This variant is present in population databases (rs201859602, gnomAD 0.01%). This variant has not been reported in the literature in individuals affected with SLMAP-related conditions. ClinVar contains an entry for this variant (Variation ID: 1436920). Variants that disrupt the consensus splice site are a relatively common cause of aberrant splicing (PMID: 17576681, 9536098). Algorithms developed to predict the effect of sequence changes on RNA splicing suggest that this variant is not likely to affect RNA splicing. In summary, the available evidence is currently insufficient to determine the role of this variant in disease. Therefore, it has been classified as a Variant of Uncertain Significance.

Literature cited by the submitters: PubMed 17576681; PubMed 9536098.